The following is an entry in ClinVar:

ClinVar aggregate classification (germline): Uncertain significance (1 of 4 stars; one submission).

Conditions:
Inborn genetic diseases. Identifiers: MedGen C0950123, MeSH D030342.

Submission:

Ambry Genetics
Classification: Uncertain significance for Inborn genetic diseases. Last evaluated: 2025-11-19. Review status: criteria provided, single submitter. Criteria: Ambry Variant Classification Scheme 2023. Collection method: clinical testing. Allele origin: germline.
Comment: The p.D674G variant (also known as c.2021A>G), located in coding exon 12 of the BMPR2 gene, results from an A to G substitution at nucleotide position 2021. The aspartic acid at codon 674 is replaced by glycine, an amino acid with similar properties. This amino acid position is conserved. In addition, this alteration is predicted to be deleterious by in silico analysis. Based on the available evidence, the clinical significance of this variant remains unclear.

NM_001204.7(BMPR2):c.2021A>G (p.Asp674Gly)

Gene: BMPR2 (bone morphogenetic protein receptor type 2; plus strand). Cytogenetic location: 2q33.2.
Variant type: single nucleotide variant.
Coding change: c.2021A>G on transcript NM_001204.7 (MANE Select); coding-DNA position 2021, A replaced by G.
Protein change: p.Asp674Gly; replaces aspartic acid 674 with glycine.
Molecular consequence: missense variant.
Genome position (GRCh38, 1-based): chr2:202,555,686, A>G. VCF-style: chr2-202555686-A-G. GRCh37 (hg19) VCF-style: chr2-203420409-A-G.
Other names: short protein forms D674G.
Identifiers: ClinVar variation 4597823 (VCV004597823.1).